The following is an entry in ClinVar:

ClinVar aggregate classification (germline): Benign/Likely benign. Review status: criteria provided, multiple submitters, no conflicts (2 of 4 stars). 3 submissions from 3 submitters: Benign (1); Likely benign (2). Last evaluated 2026-04-20.

Conditions:
Hereditary cancer-predisposing syndrome. Also called: Hereditary neoplastic syndrome; Neoplastic Syndromes, Hereditary; Hereditary Cancer Syndrome; Tumor predisposition. Identifiers: Orphanet 140162, MedGen C0027672, MeSH D009386, MONDO:0015356.
DICER1-related tumor predisposition. Also called: DICER1-related pleuropulmonary blastoma cancer predisposition syndrome; DICER1 syndrome. Identifiers: Orphanet 284343, MedGen C3839822, MONDO:0100216.

Allele frequency attached by ClinVar (database versions not stated): gnomAD exomes below 0.00001.
gnomAD v4.1: 3 of 1,614,234 alleles (0.00019%); highest among the groups gnomAD compares: Non-Finnish European, 0.00025%; no homozygotes.

Submissions (3):

Myriad Genetics, Inc.
Classification: Benign for DICER1-related tumor predisposition. Last evaluated: 2026-04-20. Review status: criteria provided, single submitter. Criteria: Myriad Autosomal Dominant, Autosomal Recessive and X-Linked Classification Criteria (2023). Collection method: clinical testing. Allele origin: unknown.
Comment: This variant is considered benign. This variant is a silent/synonymous amino acid change and it is not expected to impact splicing.

Labcorp Genetics (formerly Invitae), Labcorp
Classification: Likely benign for DICER1-related tumor predisposition. Last evaluated: 2025-01-07. Review status: criteria provided, single submitter. Criteria: Invitae Variant Classification Sherloc (09022015). Collection method: clinical testing. Allele origin: germline.

Ambry Genetics
Classification: Likely benign for Hereditary cancer-predisposing syndrome. Last evaluated: 2017-04-24. Review status: criteria provided, single submitter. Criteria: Ambry Variant Classification Scheme 2023. Collection method: clinical testing. Allele origin: germline.

NM_177438.3(DICER1):c.4791T>C (p.Thr1597=)

Gene: DICER1 (dicer 1, ribonuclease III; minus strand). Cytogenetic location: 14q32.13.
Variant type: single nucleotide variant.
Coding change: c.4791T>C on transcript NM_177438.3 (MANE Select); coding-DNA position 4791, T replaced by C.
Protein change: p.Thr1597=; no amino-acid change (threonine 1597 retained).
Molecular consequence: synonymous variant.
Genome position (GRCh38, 1-based): chr14:95,096,129, A>G on the plus strand (T>C on the coding strand, the complement: DICER1 is on the minus strand). VCF-style: chr14-95096129-A-G. GRCh37 (hg19) VCF-style: chr14-95562466-A-G.
Other names: c.4791T>C, p.Thr1597= (NM_001195573.1, NM_001271282.3, NM_001291628.2 and 1 more transcripts).
Identifiers: ClinVar variation 483432 (VCV000483432.11), dbSNP rs1555367645, ClinGen allele CA487844199.
Genomic context (GRCh38, chr14:95,096,129, plus strand): 5'-AAGGTTCTTTTGTTGGCTGTTGAAATTCTCCCGAGTAGGGCACAGGGCCTTTTCCCGATC[A>G]GTCCTTTTAATTACCGGGAGCACCTTCAGCCCCAGTGAACAGAGGAAAAGCTGAGCAGCC-3'
Protein context (NP_803187.1, residues 1587-1607): GLKVLPVIKR[Thr1597=]DREKALCPTR